The following is an entry in ClinVar:

ClinVar aggregate classification (germline): Uncertain significance (1 of 4 stars; one submission).

Conditions:
BBS1-related disorder. Also called: BBS1-related condition.

gnomAD v4.1: 16 of 1,614,060 alleles (0.00099%); highest among the groups gnomAD compares: South Asian, 0.0033%; no homozygotes.

Submission:

PreventionGenetics, part of Exact Sciences
Classification: Uncertain significance for BBS1-related condition. Last evaluated: 2026-08-25. Review status: criteria provided, single submitter. Criteria: ACMG Guidelines, 2015. Collection method: clinical testing. Allele origin: germline.
Comment: The BBS1 c.30C>A variant is predicted to result in the amino acid substitution p.Asp10Glu. To our knowledge, this variant has not been reported in the literature. This variant is reported in 0.00088% of alleles in individuals of European (Non-Finnish) descent in gnomAD. At this time, the clinical significance of this variant is uncertain due to the absence of conclusive functional and genetic evidence.

NM_024649.5(BBS1):c.30C>A (p.Asp10Glu)

Gene: BBS1 (Bardet-Biedl syndrome 1; plus strand). Cytogenetic location: 11q13.2.
Variant type: single nucleotide variant.
Coding change: c.30C>A on transcript NM_024649.5 (MANE Select); coding-DNA position 30, C replaced by A.
Protein change: p.Asp10Glu; replaces aspartic acid 10 with glutamic acid.
Molecular consequence: missense variant.
Genome position (GRCh38, 1-based): chr11:66,510,689, C>A. VCF-style: chr11-66510689-C-A. GRCh37 (hg19) VCF-style: chr11-66278160-C-A.
Other names: short protein forms D10E.
Identifiers: ClinVar variation 4990291 (VCV004990291.1).
Genomic context (GRCh38, chr11:66,510,689, plus strand): 5'-GGGGCCGGTTGCCAGGACGACGCCTGCGAAGATGGCCGCTGCGTCCTCATCGGATTCCGA[C>A]GCCTGCGGAGCTGAGAGGTGAAGGCAGGGCTCCTCAAGGCCTCTTTTCCCACCCGTGTAA-3'
Protein context (NP_078925.3, residues 1-20): MAAASSSDS[Asp10Glu]ACGAESNEAN